The following is an entry in ClinVar:

ClinVar aggregate classification (germline): Uncertain significance (1 of 4 stars; one submission).

Submission:

Labcorp Genetics (formerly Invitae), Labcorp
Classification: Uncertain significance. Last evaluated: 2022-08-15. Review status: criteria provided, single submitter. Criteria: Invitae Variant Classification Sherloc (09022015). Collection method: clinical testing. Allele origin: germline.
Comment: This sequence change falls in intron 3 of the KIF11 gene. It does not directly change the encoded amino acid sequence of the KIF11 protein. It affects a nucleotide within the consensus splice site. In summary, the available evidence is currently insufficient to determine the role of this variant in disease. Therefore, it has been classified as a Variant of Uncertain Significance. Variants that disrupt the consensus splice site are a relatively common cause of aberrant splicing (PMID: 17576681, 9536098). Algorithms developed to predict the effect of sequence changes on RNA splicing suggest that this variant is not likely to affect RNA splicing. ClinVar contains an entry for this variant (Variation ID: 999301). This variant has not been reported in the literature in individuals affected with KIF11-related conditions. This variant is not present in population databases (gnomAD no frequency).

Literature cited by the submitters: PubMed 17576681; PubMed 9536098.

NM_004523.4(KIF11):c.308+6T>C

Gene: KIF11 (kinesin family member 11; plus strand). Cytogenetic location: 10q23.33.
Variant type: single nucleotide variant.
Coding change: c.308+6T>C on transcript NM_004523.4 (MANE Select); 6 bases into the intron after coding-DNA position 308, T replaced by C.
Molecular consequence: intron variant.
Genome position (GRCh38, 1-based): chr10:92,606,722, T>C. VCF-style: chr10-92606722-T-C. GRCh37 (hg19) VCF-style: chr10-94366479-T-C.
Identifiers: ClinVar variation 999301 (VCV000999301.8), dbSNP rs1844434627, ClinGen allele CA1928256309.